The following is an entry in ClinVar:

ClinVar aggregate classification (germline): Uncertain significance (1 of 4 stars; one submission).

Conditions:
Peroxisome biogenesis disorder 12A (Zellweger). Also called: Peroxisome biogenesis disorder 12A. Identifiers: Orphanet 912, MedGen C3554002, MONDO:0013951, OMIM 614886.

Allele frequency attached by ClinVar (database versions not stated): ExAC 0.00001; gnomAD exomes 0.00002.
gnomAD v4.1: 16 of 1,614,094 alleles (0.00099%); highest among the groups gnomAD compares: South Asian, 0.016%; no homozygotes.

Submission:

Labcorp Genetics (formerly Invitae), Labcorp
Classification: Uncertain significance for Peroxisome biogenesis disorder 12A (Zellweger). Last evaluated: 2022-03-10. Review status: criteria provided, single submitter. Criteria: Invitae Variant Classification Sherloc (09022015). Collection method: clinical testing. Allele origin: germline.
Comment: This sequence change replaces methionine, which is neutral and non-polar, with threonine, which is neutral and polar, at codon 91 of the PEX19 protein (p.Met91Thr). This variant is present in population databases (rs747047470, gnomAD 0.02%). This variant has not been reported in the literature in individuals affected with PEX19-related conditions. ClinVar contains an entry for this variant (Variation ID: 852437). Algorithms developed to predict the effect of missense changes on protein structure and function are either unavailable or do not agree on the potential impact of this missense change (SIFT: "Deleterious"; PolyPhen-2: "Probably Damaging"; Align-GVGD: "Class C0"). In summary, the available evidence is currently insufficient to determine the role of this variant in disease. Therefore, it has been classified as a Variant of Uncertain Significance.

NM_002857.4(PEX19):c.272T>C (p.Met91Thr)

Gene: PEX19 (peroxisomal biogenesis factor 19; minus strand). Cytogenetic location: 1q23.2.
Variant type: single nucleotide variant.
Coding change: c.272T>C on transcript NM_002857.4 (MANE Select); coding-DNA position 272, T replaced by C.
Protein change: p.Met91Thr; replaces methionine 91 with threonine.
Molecular consequence: missense variant. On other transcripts: non-coding transcript variant (2).
Genome position (GRCh38, 1-based): chr1:160,283,018, A>G on the plus strand (T>C on the coding strand, the complement: PEX19 is on the minus strand). VCF-style: chr1-160283018-A-G. GRCh37 (hg19) VCF-style: chr1-160252808-A-G.
Other names: c.272T>C, p.Met91Thr (NM_001193644.1); short protein forms M91T.
Identifiers: ClinVar variation 852437 (VCV000852437.7), dbSNP rs747047470, ClinGen allele CA1197420.